The following is an entry in ClinVar:

ClinVar aggregate classification (germline): Conflicting classifications of pathogenicity. Review status: criteria provided, conflicting classifications (1 of 4 stars). 3 submissions from 3 submitters: Likely pathogenic (1); Uncertain significance (2). Last evaluated 2025-07-15.

Conditions:
Inborn genetic diseases. Identifiers: MedGen C0950123, MeSH D030342.
Gnathodiaphyseal dysplasia (GDD). Also called: GNATHODIAPHYSEAL SCLEROSIS; OSTEOGENESIS IMPERFECTA WITH UNUSUAL SKELETAL LESIONS. Identifiers: Orphanet 53697, MedGen C1833736, MONDO:0008151, OMIM 166260.
Autosomal recessive limb-girdle muscular dystrophy type 2L (LGMDR12). Also called: Limb-girdle muscular dystrophy, type 2L; MUSCULAR DYSTROPHY, LIMB-GIRDLE, AUTOSOMAL RECESSIVE 12; Limb-Girdle Muscular Dystrophy R12 Anoctamin-5-Related (LGMD-R12). Identifiers: Orphanet 206549, MedGen C1969785, MONDO:0012652, OMIM 611307.

Submissions (3):

Ambry Genetics
Classification: Uncertain significance for Inborn genetic diseases. Last evaluated: 2025-07-15. Review status: criteria provided, single submitter. Criteria: Ambry Variant Classification Scheme 2023. Collection method: clinical testing. Allele origin: germline.

Mendelics
Classification: Likely pathogenic for Gnathodiaphyseal dysplasia. Last evaluated: 2022-05-04. Review status: criteria provided, single submitter. Criteria: Mendelics Assertion Criteria 2019. Collection method: clinical testing. Allele origin: germline.

Labcorp Genetics (formerly Invitae), Labcorp
Classification: Uncertain significance for Autosomal recessive limb-girdle muscular dystrophy type 2L; Gnathodiaphyseal dysplasia. Last evaluated: 2022-04-22. Review status: criteria provided, single submitter. Criteria: Invitae Variant Classification Sherloc (09022015). Collection method: clinical testing. Allele origin: germline.
Comment: This sequence change replaces tyrosine, which is neutral and polar, with cysteine, which is neutral and slightly polar, at codon 574 of the ANO5 protein (p.Tyr574Cys). This variant is not present in population databases (gnomAD no frequency). In summary, the available evidence is currently insufficient to determine the role of this variant in disease. Therefore, it has been classified as a Variant of Uncertain Significance. Advanced modeling of protein sequence and biophysical properties (such as structural, functional, and spatial information, amino acid conservation, physicochemical variation, residue mobility, and thermodynamic stability) performed at Invitae indicates that this missense variant is expected to disrupt ANO5 protein function. This variant has not been reported in the literature in individuals affected with ANO5-related conditions.

NM_213599.3(ANO5):c.1721A>G (p.Tyr574Cys)

Gene: ANO5 (anoctamin 5; plus strand). Cytogenetic location: 11p14.3.
Variant type: single nucleotide variant.
Coding change: c.1721A>G on transcript NM_213599.3 (MANE Select); coding-DNA position 1721, A replaced by G.
Protein change: p.Tyr574Cys; replaces tyrosine 574 with cysteine.
Molecular consequence: missense variant.
Genome position (GRCh38, 1-based): chr11:22,262,219, A>G. VCF-style: chr11-22262219-A-G. GRCh37 (hg19) VCF-style: chr11-22283765-A-G.
Other names: c.1721A>G (NM_213599.2); c.1718A>G, p.Tyr573Cys (NM_001142649.2); short protein forms Y573C, Y574C.
Identifiers: ClinVar variation 1685241 (VCV001685241.7), dbSNP rs2133747827, ClinGen allele CA379922675.